The following is an entry in ClinVar:

ClinVar aggregate classification (germline): Likely benign. Review status: criteria provided, multiple submitters, no conflicts (2 of 4 stars). 2 submissions from 2 submitters: Likely benign (2). Last evaluated 2023-09-15.

Conditions:
Bifunctional peroxisomal enzyme deficiency (DBIF). Also called: DBP DEFICIENCY; PBFE DEFICIENCY; D-bifunctional protein deficiency. Identifiers: Orphanet 300, MedGen C0342870, MONDO:0009855, OMIM 261515. Disease mechanism: loss of function.
Perrault syndrome. Also called: Gonadal dysgenesis with auditory dysfunction, autosomal recessive inheritance. Identifiers: Orphanet 2855, MedGen C0685838, MONDO:0017312.

Submissions (2):

Labcorp Genetics (formerly Invitae), Labcorp
Classification: Likely benign for Perrault syndrome; Bifunctional peroxisomal enzyme deficiency. Last evaluated: 2023-09-15. Review status: criteria provided, single submitter. Criteria: Invitae Variant Classification Sherloc (09022015). Collection method: clinical testing. Allele origin: germline.

CeGaT Center for Human Genetics Tuebingen
Classification: Likely benign. Last evaluated: 2023-05-01. Review status: criteria provided, single submitter. Criteria: CeGaT Center For Human Genetics Tuebingen Variant Classification Criteria Version 2. Collection method: clinical testing. Allele origin: germline. Affected: yes. Observed: 1 variant allele.
Comment: HSD17B4: PM2:Supporting, BP4, BP7

NM_000414.4(HSD17B4):c.505T>C (p.Leu169=)

Gene: HSD17B4 (hydroxysteroid 17-beta dehydrogenase 4; plus strand). Cytogenetic location: 5q23.1.
Variant type: single nucleotide variant.
Coding change: c.505T>C on transcript NM_000414.4 (MANE Select); coding-DNA position 505, T replaced by C.
Protein change: p.Leu169=; no amino-acid change (leucine 169 retained).
Molecular consequence: synonymous variant. On other transcripts: non-coding transcript variant (2).
Genome position (GRCh38, 1-based): chr5:119,478,904, T>C. VCF-style: chr5-119478904-T-C. GRCh37 (hg19) VCF-style: chr5-118814599-T-C.
Other names: c.580T>C, p.Leu194= (NM_001199291.3); c.451T>C, p.Leu151= (NM_001199292.2); c.433T>C, p.Leu145= (NM_001292027.2); c.85T>C, p.Leu29= (NM_001292028.2); c.496T>C, p.Leu166= (NM_001374497.1); c.505T>C, p.Leu169= (NM_001374498.1); c.178T>C, p.Leu60= (NM_001374499.1); c.64T>C, p.Leu22= (NM_001374500.1); and 1 more.
Identifiers: ClinVar variation 2125408 (VCV002125408.28), dbSNP rs1337577753, ClinGen allele CA446041479.